The following is an entry in ClinVar:

NM_001165963.4(SCN1A):c.1959G>C (p.Leu653Phe)

Gene: SCN1A (sodium voltage-gated channel alpha subunit 1; minus strand). Cytogenetic location: 2q24.3.
Variant type: single nucleotide variant.
Coding change: c.1959G>C on transcript NM_001165963.4 (MANE Select); coding-DNA position 1959, G replaced by C.
Protein change: p.Leu653Phe; replaces leucine 653 with phenylalanine.
Molecular consequence: missense variant. On other transcripts: 5 prime UTR variant (1), non-coding transcript variant (1).
Genome position (GRCh38, 1-based): chr2:166,043,753, C>G on the plus strand (G>C on the coding strand, the complement: SCN1A is on the minus strand). VCF-style: chr2-166043753-C-G. GRCh37 (hg19) VCF-style: chr2-166900263-C-G.
Other names: c.1959G>C, p.Leu653Phe (NM_001165964.3, NM_001202435.3, NM_001353948.2 and 7 more transcripts); c.1956G>C, p.Leu652Phe (NM_001353954.2, NM_001353955.2, NM_001353960.2); c.-467G>C (NM_001353961.2); short protein forms L652F, L653F.
Identifiers: ClinVar variation 1026364 (VCV001026364.7), dbSNP rs1697427696, ClinGen allele CA349067204.
Genomic context (GRCh38, chr2:166,043,753, plus strand): 5'-TATTATCACCTCTGGCAGAAGCTGTCCAACAGGCGATGTAGGAACTGAAGGTCCACCAAC[C>G]AAGGAAACCACACCATTGCAATCCACAGTGCTGTGCATCTTCCCATTCGCTGGAAACACT-3'
Protein context (NP_001159435.1, residues 643-663): STVDCNGVVS[Leu653Phe]VGGPSVPTSP

ClinVar aggregate classification (germline): Uncertain significance (1 of 4 stars; one submission).

Conditions:
Early-infantile DEE. Also called: Ohtahara syndrome; Early infantile epileptic encephalopathy; Early infantile epileptic encephalopathy with suppression bursts. Identifiers: Orphanet 1934, MedGen C0393706, MONDO:0800491.

Submission:

Labcorp Genetics (formerly Invitae), Labcorp
Classification: Uncertain significance for Early-infantile DEE. Last evaluated: 2022-07-25. Review status: criteria provided, single submitter. Criteria: Invitae Variant Classification Sherloc (09022015). Collection method: clinical testing. Allele origin: germline.
Comment: In summary, the available evidence is currently insufficient to determine the role of this variant in disease. Therefore, it has been classified as a Variant of Uncertain Significance. Algorithms developed to predict the effect of missense changes on protein structure and function are either unavailable or do not agree on the potential impact of this missense change (SIFT: "Deleterious"; PolyPhen-2: "Probably Damaging"; Align-GVGD: "Class C0"). ClinVar contains an entry for this variant (Variation ID: 1026364). This variant has not been reported in the literature in individuals affected with SCN1A-related conditions. This variant is not present in population databases (gnomAD no frequency). This sequence change replaces leucine, which is neutral and non-polar, with phenylalanine, which is neutral and non-polar, at codon 653 of the SCN1A protein (p.Leu653Phe).